The following is an entry in ClinVar:

ClinVar aggregate classification (germline): Uncertain significance (1 of 4 stars; one submission).

Conditions:
Emery-Dreifuss muscular dystrophy 4, autosomal dominant (EDMD4). Also called: EMERY-DREIFUSS MUSCULAR DYSTROPHY 4 WITH VARIABLE FEATURES. Identifiers: Orphanet 261, MedGen C2751807, MONDO:0013071, OMIM 612998.
Autosomal recessive ataxia, Beauce type. Also called: Spinocerebellar ataxia, autosomal recessive 8; ATAXIA, RECESSIVE, OF BEAUCE; SYNE1-Related Autosomal Recessive Cerebellar Ataxia; SYNE1 Deficiency. Identifiers: Orphanet 88644, MedGen C1853116, MONDO:0012549, OMIM 610743.

gnomAD v4.1: 2 of 1,614,176 alleles (0.00012%); highest among the groups gnomAD compares: Non-Finnish European, 0.00017%; no homozygotes.

Submission:

Labcorp Genetics (formerly Invitae), Labcorp
Classification: Uncertain significance for Emery-Dreifuss muscular dystrophy 4, autosomal dominant; Autosomal recessive ataxia, Beauce type. Last evaluated: 2024-10-30. Review status: criteria provided, single submitter. Criteria: Invitae Variant Classification Sherloc (09022015). Collection method: clinical testing. Allele origin: germline.
Comment: This sequence change replaces glutamine, which is neutral and polar, with histidine, which is basic and polar, at codon 4279 of the SYNE1 protein (p.Gln4279His). This variant is not present in population databases (gnomAD no frequency). This variant has not been reported in the literature in individuals affected with SYNE1-related conditions. An algorithm developed to predict the effect of missense changes on protein structure and function (PolyPhen-2) suggests that this variant is likely to be tolerated. In summary, the available evidence is currently insufficient to determine the role of this variant in disease. Therefore, it has been classified as a Variant of Uncertain Significance.

NM_182961.4(SYNE1):c.13050G>C (p.Gln4350His)

Gene: SYNE1 (spectrin repeat containing nuclear envelope protein 1; minus strand). Cytogenetic location: 6q25.2.
Variant type: single nucleotide variant.
Coding change: c.13050G>C on transcript NM_182961.4 (MANE Select); coding-DNA position 13050, G replaced by C.
Protein change: p.Gln4350His; replaces glutamine 4350 with histidine.
Molecular consequence: missense variant.
Genome position (GRCh38, 1-based): chr6:152,331,635, C>G on the plus strand (G>C on the coding strand, the complement: SYNE1 is on the minus strand). VCF-style: chr6-152331635-C-G. GRCh37 (hg19) VCF-style: chr6-152652770-C-G.
Other names: c.12837G>C, p.Gln4279His (NM_033071.5); short protein forms Q4279H, Q4350H.
Identifiers: ClinVar variation 3752541 (VCV003752541.2).